The following is an entry in ClinVar:

ClinVar aggregate classification (germline): Uncertain significance (1 of 4 stars; one submission).

Conditions:
Developmental and epileptic encephalopathy, 30 (DEE30). Also called: Epileptic encephalopathy, early infantile, 30. Identifiers: MedGen C4225360, MONDO:0014595, OMIM 616341.

Allele frequency attached by ClinVar (database versions not stated): ExAC 0.00002.

Submission:

Labcorp Genetics (formerly Invitae), Labcorp
Classification: Uncertain significance for Developmental and epileptic encephalopathy, 30. Last evaluated: 2022-10-16. Review status: criteria provided, single submitter. Criteria: Invitae Variant Classification Sherloc (09022015). Collection method: clinical testing. Allele origin: germline.
Comment: The frequency data for this variant in the population databases is considered unreliable, as metrics indicate poor data quality at this position in the gnomAD database. This sequence change replaces valine, which is neutral and non-polar, with alanine, which is neutral and non-polar, at codon 421 of the SIK1 protein (p.Val421Ala). In summary, the available evidence is currently insufficient to determine the role of this variant in disease. Therefore, it has been classified as a Variant of Uncertain Significance. Advanced modeling of protein sequence and biophysical properties (such as structural, functional, and spatial information, amino acid conservation, physicochemical variation, residue mobility, and thermodynamic stability) performed at Invitae indicates that this missense variant is not expected to disrupt SIK1 protein function. This variant has not been reported in the literature in individuals affected with SIK1-related conditions.

NM_173354.5(SIK1):c.1262T>C (p.Val421Ala)

Gene: SIK1 (salt inducible kinase 1; minus strand). Cytogenetic location: 21q22.3.
Variant type: single nucleotide variant.
Coding change: c.1262T>C on transcript NM_173354.5 (MANE Select); coding-DNA position 1262, T replaced by C.
Protein change: p.Val421Ala; replaces valine 421 with alanine.
Molecular consequence: missense variant.
Genome position (GRCh38, 1-based): chr21:43,419,221, A>G on the plus strand (T>C on the coding strand, the complement: SIK1 is on the minus strand). VCF-style: chr21-43419221-A-G. GRCh37 (hg19) VCF-style: chr21-44839101-A-G.
Other names: short protein forms V421A.
Identifiers: ClinVar variation 1903894 (VCV001903894.5), dbSNP rs775069034, ClinGen allele CA321325936.